The following is an entry in ClinVar:

ClinVar aggregate classification (germline): Uncertain significance (1 of 4 stars; one submission).

Allele frequency attached by ClinVar (database versions not stated): gnomAD exomes below 0.00001.
gnomAD v4.1: 2 of 1,613,926 alleles (0.00012%); highest among the groups gnomAD compares: Non-Finnish European, 0.00017%; no homozygotes.

Submission:

Labcorp Genetics (formerly Invitae), Labcorp
Classification: Uncertain significance. Last evaluated: 2024-05-06. Review status: criteria provided, single submitter. Criteria: Invitae Variant Classification Sherloc (09022015). Collection method: clinical testing. Allele origin: germline.
Comment: This sequence change replaces aspartic acid, which is acidic and polar, with valine, which is neutral and non-polar, at codon 586 of the FRAS1 protein (p.Asp586Val). This variant is not present in population databases (gnomAD no frequency). This variant has not been reported in the literature in individuals affected with FRAS1-related conditions. ClinVar contains an entry for this variant (Variation ID: 1494618). An algorithm developed to predict the effect of missense changes on protein structure and function (PolyPhen-2) suggests that this variant is likely to be tolerated. In summary, the available evidence is currently insufficient to determine the role of this variant in disease. Therefore, it has been classified as a Variant of Uncertain Significance.

NM_025074.7(FRAS1):c.1757A>T (p.Asp586Val)

Gene: FRAS1 (Fraser extracellular matrix complex subunit 1; plus strand). Cytogenetic location: 4q21.21.
Variant type: single nucleotide variant.
Coding change: c.1757A>T on transcript NM_025074.7 (MANE Select); coding-DNA position 1757, A replaced by T.
Protein change: p.Asp586Val; replaces aspartic acid 586 with valine.
Molecular consequence: missense variant.
Genome position (GRCh38, 1-based): chr4:78,315,672, A>T. VCF-style: chr4-78315672-A-T. GRCh37 (hg19) VCF-style: chr4-79236826-A-T.
Other names: c.1757A>T, p.Asp586Val (NM_001166133.2); short protein forms D586V.
Identifiers: ClinVar variation 1494618 (VCV001494618.7), dbSNP rs1729213616, ClinGen allele CA357367961.